The following is an entry in ClinVar:

ClinVar aggregate classification (germline): Uncertain significance (1 of 4 stars; one submission).

Conditions:
Idiopathic generalized epilepsy. Also called: EIG; Generalised epilepsy. Identifiers: MedGen C0270850, MONDO:0005579, OMIM 600669.
Hyperaldosteronism, familial, type IV (HALD4). Also called: FH IV; ALDOSTERONISM, PRIMARY, AND HYPERTENSION. Identifiers: Orphanet 642671, MedGen C4310756, MONDO:0014875, OMIM 617027.

Submission:

Labcorp Genetics (formerly Invitae), Labcorp
Classification: Uncertain significance for Idiopathic generalized epilepsy; Hyperaldosteronism, familial, type IV. Last evaluated: 2022-07-05. Review status: criteria provided, single submitter. Criteria: Invitae Variant Classification Sherloc (09022015). Collection method: clinical testing. Allele origin: germline.
Comment: In summary, the available evidence is currently insufficient to determine the role of this variant in disease. Therefore, it has been classified as a Variant of Uncertain Significance. Experimental studies and prediction algorithms are not available or were not evaluated, and the functional significance of this variant is currently unknown. This variant has not been reported in the literature in individuals affected with CACNA1H-related conditions. This variant results in a copy number gain of the genomic region encompassing exon(s) 2-18 of the CACNA1H gene. This region includes the initiator codon of the gene. This copy number gain extends beyond the assayed region for this gene and therefore may encompass additional genes. As the precise location of this event is unknown, it may be in tandem or it may be located elsewhere in the genome.

NC_000016.9:g.(?_1203738)_(1260155_?)dup

Gene: CACNA1H (calcium voltage-gated channel subunit alpha1 H; plus strand). Cytogenetic location: 16p13.3.
Variant type: Duplication.
Identifiers: ClinVar variation 1450092 (VCV001450092.5).